The following is an entry in ClinVar:

ClinVar aggregate classification (germline): Pathogenic/Likely pathogenic. Review status: criteria provided, multiple submitters, no conflicts (2 of 4 stars). 2 submissions from 2 submitters: Pathogenic (1); Likely pathogenic (1). Last evaluated 2022-08-26.

Conditions:
Familial adenomatous polyposis 1 (FAP1). Also called: FAMILIAL ADENOMATOUS POLYPOSIS 1, ATTENUATED; POLYPOSIS, ADENOMATOUS INTESTINAL. Identifiers: MedGen C2713442, MONDO:0021056, OMIM 175100. Disease mechanism: loss of function.

Submissions (2):

Baylor Genetics
Classification: Likely pathogenic for Familial adenomatous polyposis 1. Last evaluated: 2022-08-26. Review status: criteria provided, single submitter. Criteria: ACMG Guidelines, 2015. Collection method: clinical testing. Allele origin: unknown.

Labcorp Genetics (formerly Invitae), Labcorp
Classification: Pathogenic for Familial adenomatous polyposis 1. Last evaluated: 2022-07-09. Review status: criteria provided, single submitter. Criteria: Invitae Variant Classification Sherloc (09022015). Collection method: clinical testing. Allele origin: germline.
Comment: This variant is not present in population databases (gnomAD no frequency). This sequence change creates a premature translational stop signal (p.Thr2379Asnfs*12) in the APC gene. While this is not anticipated to result in nonsense mediated decay, it is expected to disrupt the last 465 amino acid(s) of the APC protein. This variant has not been reported in the literature in individuals affected with APC-related conditions. This variant is expected to disrupt the EB1 and HDLG binding sites, which mediate interactions with the cytoskeleton (PMID: 15311282, 17293347). While functional studies have not been performed to directly test the effect on APC protein function, this suggests that disruption of the C-terminal portion of the protein is functionally important. For these reasons, this variant has been classified as Pathogenic. A different truncation (p.Tyr2645Lysfs*14) that lies downstream of this variant has been determined to be pathogenic (PMID: 9824584, 1316610, 27081525, 8381579, 22135120, Invitae). This suggests that deletion of this region of the APC protein is causative of disease.

Literature cited by the submitters: PubMed 15311282 (cited by Labcorp Genetics (formerly Invitae), Labcorp); PubMed 17293347 (cited by Labcorp Genetics (formerly Invitae), Labcorp); PubMed 9824584 (cited by Labcorp Genetics (formerly Invitae), Labcorp); PubMed 1316610 (cited by Labcorp Genetics (formerly Invitae), Labcorp); PubMed 27081525 (cited by Labcorp Genetics (formerly Invitae), Labcorp); PubMed 8381579 (cited by Labcorp Genetics (formerly Invitae), Labcorp); PubMed 22135120 (cited by Labcorp Genetics (formerly Invitae), Labcorp).

NM_000038.6(APC):c.7135dup (p.Thr2379fs)

Gene: APC (APC regulator of Wnt signaling pathway; plus strand). Cytogenetic location: 5q22.2.
Variant type: Duplication.
Coding change: c.7135dup on transcript NM_000038.6 (MANE Select); coding-DNA position 7135, one base duplicated (A; older notation c.7135dupA).
Protein change: p.Thr2379fs; shifts the reading frame from threonine 2379.
Molecular consequence: frameshift variant.
Genome position (GRCh38, 1-based): chr5:112,842,729, A duplicated. VCF-style (leftmost placement, unchanged base first): chr5-112842728-T-TA. GRCh37 (hg19) VCF-style: chr5-112178425-T-TA.
Other names: c.7135dup, p.Thr2379fs (NM_001127510.3, NM_001354895.2); c.7081dup, p.Thr2361fs (NM_001127511.3); c.7189dup, p.Thr2397fs (NM_001354896.2); c.7165dup, p.Thr2389fs (NM_001354897.2); c.7060dup, p.Thr2354fs (NM_001354898.2); c.7051dup, p.Thr2351fs (NM_001354899.2); c.7012dup, p.Thr2338fs (NM_001354900.2); c.6958dup, p.Thr2320fs (NM_001354901.2); and 16 more; short protein forms T2389fs, T2397fs, T2096fs, T2320fs, T2351fs, T2253fs, T2338fs, T2354fs.
Identifiers: ClinVar variation 2015368 (VCV002015368.5), dbSNP rs2533771159, ClinGen allele CA2580072371.